The following is an entry in ClinVar:

ClinVar aggregate classification (germline): Likely benign (1 of 4 stars; one submission).

Submission:

CeGaT Center for Human Genetics Tuebingen
Classification: Likely benign. Last evaluated: 2026-08-01. Review status: criteria provided, single submitter. Criteria: CeGaT Center For Human Genetics Tuebingen Variant Classification Criteria Version 2. Collection method: clinical testing. Allele origin: germline. Affected: yes. Observed: 22 variant alleles.
Comment: PRKACB: BS1

NM_182948.4(PRKACB):c.783+1293AT[6]

Gene: PRKACB (protein kinase cAMP-activated catalytic subunit beta; plus strand). Cytogenetic location: 1p31.1.
Variant type: Microsatellite.
Coding change: c.783+1293AT[6] on transcript NM_182948.4 (MANE Select); six copies in a row of the 2-base unit AT starting at c.783+1293.
Molecular consequence: intron variant.
Genome position: GRCh38 VCF-style: chr1-84199116-CATAT-C. GRCh37 (hg19) VCF-style: chr1-84664799-CATAT-C.
Other names: c.642+1293AT[6] (NM_002731.4, NM_001375576.1, NM_207578.3); c.783+1293AT[6] (NM_001300916.2); c.663+1293AT[6] (NM_001242857.3, NM_001375581.1, NM_001375569.1); c.654+1293AT[6] (NM_001242859.3, NM_001375572.1); c.639+1293AT[6] (NM_001375562.1); c.630+1293AT[6] (NM_001375563.1); c.606+1293AT[6] (NM_001242858.3, NM_001375578.1, NM_001300917.2); c.660+1293AT[6] (NM_001242860.3, NM_001300915.2, NM_001375571.1); and 5 more.
Identifiers: ClinVar variation 4534608 (VCV004534608.6).